The following is an entry in ClinVar:

ClinVar aggregate classification (germline): Likely benign. Review status: criteria provided, multiple submitters, no conflicts (2 of 4 stars). 6 submissions from 5 submitters: Likely benign (5). 1 of the submissions does not count toward it. Last evaluated 2026-04-01.

Conditions:
Autosomal dominant nocturnal frontal lobe epilepsy 5. Also called: CILIARY DYSKINESIA, PRIMARY, 28, WITHOUT SITUS INVERSUS; CILIARY DYSKINESIA, PRIMARY, 28, WITH SITUS INVERSUS; KCNT1-Related Epilepsy; Epilepsy, nocturnal frontal lobe, 5. Identifiers: Orphanet 98784, MedGen C3554306, MONDO:0014002, OMIM 615005.
Developmental and epileptic encephalopathy, 14 (DEE14). Also called: Early infantile epileptic encephalopathy 14. Identifiers: Orphanet 293181, MedGen C3554195, MONDO:0013989, OMIM 614959.
KCNT1-related disorder. Also called: KCNT1-related condition.

Allele frequency attached by ClinVar (database versions not stated): gnomAD exomes 0.00001 and 0.00002; ExAC 0.00003; TOPMed 0.00008; gnomAD 0.00011.
gnomAD v4.1: 29 of 1,613,526 alleles (0.0018%); highest among the groups gnomAD compares: Middle Eastern, 0.05%; no homozygotes.

Submissions (6):

CeGaT Center for Human Genetics Tuebingen
Classification: Likely benign. Last evaluated: 2026-04-01. Review status: criteria provided, single submitter. Criteria: CeGaT Center For Human Genetics Tuebingen Variant Classification Criteria Version 2. Collection method: clinical testing. Allele origin: germline. Affected: yes. Observed: 1 variant allele.
Comment: KCNT1: BP4, BP7

Labcorp Genetics (formerly Invitae), Labcorp
Classification: Likely benign for Autosomal dominant nocturnal frontal lobe epilepsy 5; Developmental and epileptic encephalopathy, 14. Last evaluated: 2026-01-05. Review status: criteria provided, single submitter. Criteria: Invitae Variant Classification Sherloc (09022015). Collection method: clinical testing. Allele origin: germline.

Genome-Nilou Lab
Classification: Likely benign for Developmental and epileptic encephalopathy, 14. Last evaluated: 2022-03-15. Review status: criteria provided, single submitter. Criteria: ACMG Guidelines, 2015. Collection method: clinical testing. Allele origin: germline. Affected: no.

Genome-Nilou Lab
Classification: Likely benign for Autosomal dominant nocturnal frontal lobe epilepsy 5. Last evaluated: 2022-03-15. Review status: criteria provided, single submitter. Criteria: ACMG Guidelines, 2015. Collection method: clinical testing. Allele origin: germline. Affected: no.

GeneDx
Classification: Likely benign. Last evaluated: 2017-01-23. Review status: criteria provided, single submitter. Criteria: GeneDx Variant Classification (06012015). Collection method: clinical testing. Allele origin: germline. Affected: yes.
Comment: This variant is considered likely benign or benign based on one or more of the following criteria: it is a conservative change, it occurs at a poorly conserved position in the protein, it is predicted to be benign by multiple in silico algorithms, and/or has population frequency not consistent with disease.

PreventionGenetics, part of Exact Sciences
Classification: Likely benign for KCNT1-related condition. Last evaluated: 2019-07-01. Review status: no assertion criteria provided. Collection method: clinical testing. Allele origin: germline. Not counted in ClinVar's aggregate classification.
Comment: This variant is classified as likely benign based on ACMG/AMP sequence variant interpretation guidelines (Richards et al. 2015 PMID: 25741868, with internal and published modifications).

NM_020822.3(KCNT1):c.1152C>T (p.Asp384=)

Gene: KCNT1 (potassium sodium-activated channel subfamily T member 1; plus strand). Cytogenetic location: 9q34.3.
Variant type: single nucleotide variant.
Coding change: c.1152C>T on transcript NM_020822.3 (MANE Select); coding-DNA position 1152, C replaced by T.
Protein change: p.Asp384=; no amino-acid change (aspartic acid 384 retained).
Molecular consequence: synonymous variant.
Genome position (GRCh38, 1-based): chr9:135,765,147, C>T. VCF-style: chr9-135765147-C-T. GRCh37 (hg19) VCF-style: chr9-138656993-C-T.
Other names: c.1017C>T, p.Asp339= (NM_001272003.2).
Identifiers: ClinVar variation 506958 (VCV000506958.14), dbSNP rs763854215, ClinGen allele CA5326783.
Genomic context (GRCh38, chr9:135,765,147, plus strand): 5'-CCGCCACCGTGCGCAGACGGAGAAGCACGTGGTCCTGTGTGTCAGCTCCCTCAAGATCGA[C>T]CTTCTCATGGACTTCCTGAACGAGTTCTACGCCCACCCCCGGCTCCAGGTGAGGCCCCTT-3'
Protein context (NP_065873.2, residues 374-394): VVLCVSSLKI[Asp384=]LLMDFLNEFY